The following is an entry in ClinVar:

ClinVar aggregate classification (germline): Pathogenic (1 of 4 stars; one submission).

Conditions:
KRIT1-related disorder. Also called: KRIT1-related disorders; KRIT1-related condition.

Submission:

PreventionGenetics, part of Exact Sciences
Classification: Pathogenic for KRIT1-related condition. Last evaluated: 2026-07-12. Review status: criteria provided, single submitter. Criteria: ACMG Guidelines, 2015. Collection method: clinical testing. Allele origin: germline.
Comment: The KRIT1 c.1119dupT variant is predicted to result in a frameshift and premature protein termination (p.Leu374Serfs*9). This variant has been reported to segregate in a large family with cerebral cavernous malformations (Chen et al. 2023. PubMed ID: 37214396). This variant has not been reported in a large population database (gnomAD), indicating this variant is rare. Frameshift variants in KRIT1 are expected to be pathogenic. This variant is interpreted as pathogenic.

NM_194454.3(KRIT1):c.1119dup (p.Leu374fs)

Gene: KRIT1 (KRIT1 ankyrin repeat containing; minus strand). Cytogenetic location: 7q21.2.
Variant type: Duplication.
Coding change: c.1119dup on transcript NM_194454.3 (MANE Select); coding-DNA position 1119, one base duplicated (T; older notation c.1119dupT).
Protein change: p.Leu374fs; shifts the reading frame from leucine 374.
Molecular consequence: frameshift variant.
Genome position (GRCh38, 1-based): chr7:92,226,553, A duplicated on the plus strand (T on the coding strand, the reverse complement: KRIT1 is on the minus strand); the first of 2 consecutive A bases (chr7:92,226,553-92,226,554); duplicating either gives the same sequence. VCF-style (leftmost placement, unchanged base first): chr7-92226552-G-GA. GRCh37 (hg19) VCF-style: chr7-91855866-G-GA.
Other names: c.975dup, p.Leu326fs (NM_001013406.2, NM_001350669.1, NM_001350670.1); c.405dup, p.Leu136fs (NM_001350671.1); c.1119dup, p.Leu374fs (NM_001350672.1, NM_001350673.1, NM_001350674.1 and 26 more transcripts); c.1119dupT (NM_194456.1); short protein forms L326fs, L136fs, L374fs.
Identifiers: ClinVar variation 4996051 (VCV004996051.1).